The following is an entry in ClinVar:

NM_001876.4(CPT1A):c.1745T>G (p.Met582Arg)

Gene: CPT1A (carnitine palmitoyltransferase 1A; minus strand). Cytogenetic location: 11q13.3.
Variant type: single nucleotide variant.
Coding change: c.1745T>G on transcript NM_001876.4 (MANE Select); coding-DNA position 1745, T replaced by G.
Protein change: p.Met582Arg; replaces methionine 582 with arginine.
Molecular consequence: missense variant.
Genome position (GRCh38, 1-based): chr11:68,762,757, A>C on the plus strand (T>G on the coding strand, the complement: CPT1A is on the minus strand). VCF-style: chr11-68762757-A-C. GRCh37 (hg19) VCF-style: chr11-68530225-A-C.
Other names: c.1745T>G, p.Met582Arg (NM_001031847.3); short protein forms M582R.
Identifiers: ClinVar variation 1387310 (VCV001387310.5), dbSNP rs369312504, ClinGen allele CA6152205.

ClinVar aggregate classification (germline): Uncertain significance (1 of 4 stars; one submission).

Conditions:
Carnitine palmitoyl transferase 1A deficiency. Also called: CPT deficiency, hepatic, type IA; Carnitine palmitoyltransferase 1A deficiency; CPT I DEFICIENCY; CPT DEFICIENCY, HEPATIC, TYPE I; Carnitine palmitoyltransferase type I deficiency. Identifiers: Orphanet 156, MedGen C1829703, MONDO:0009705, OMIM 255120.

gnomAD v4.1: 32 of 1,614,128 alleles (0.002%); highest among the groups gnomAD compares: South Asian, 0.03%; no homozygotes.

Submission:

Labcorp Genetics (formerly Invitae), Labcorp
Classification: Uncertain significance for Carnitine palmitoyl transferase 1A deficiency. Last evaluated: 2021-09-24. Review status: criteria provided, single submitter. Criteria: Invitae Variant Classification Sherloc (09022015). Collection method: clinical testing. Allele origin: germline.
Comment: This sequence change replaces methionine with arginine at codon 582 of the CPT1A protein (p.Met582Arg). The methionine residue is moderately conserved and there is a moderate physicochemical difference between methionine and arginine. This variant is present in population databases (rs369312504, ExAC 0.04%). This variant has not been reported in the literature in individuals with CPT1A-related disease. Algorithms developed to predict the effect of missense changes on protein structure and function output the following: SIFT: "Tolerated"; PolyPhen-2: "Benign"; Align-GVGD: "Class C0". The arginine amino acid residue is found in multiple mammalian species, suggesting that this missense change does not adversely affect protein function. These predictions have not been confirmed by published functional studies and their clinical significance is uncertain. Algorithms developed to predict the effect of sequence changes on RNA splicing suggest that this variant may create or strengthen a splice site, but this prediction has not been confirmed by published transcriptional studies. In summary, the available evidence is currently insufficient to determine the role of this variant in disease. Therefore, it has been classified as a Variant of Uncertain Significance.